The following is an entry in ClinVar:

NM_182961.4(SYNE1):c.13572C>T (p.Val4524=)

Gene: SYNE1 (spectrin repeat containing nuclear envelope protein 1; minus strand). Cytogenetic location: 6q25.2.
Variant type: single nucleotide variant.
Coding change: c.13572C>T on transcript NM_182961.4 (MANE Select); coding-DNA position 13572, C replaced by T.
Protein change: p.Val4524=; no amino-acid change (valine 4524 retained).
Molecular consequence: synonymous variant.
Genome position (GRCh38, 1-based): chr6:152,331,113, G>A on the plus strand (C>T on the coding strand, the complement: SYNE1 is on the minus strand). VCF-style: chr6-152331113-G-A. GRCh37 (hg19) VCF-style: chr6-152652248-G-A.
Other names: c.13359C>T, p.Val4453= (NM_033071.5).
Identifiers: ClinVar variation 198673 (VCV000198673.47), dbSNP rs111511993, ClinGen allele CA247464.
Genomic context (GRCh38, chr6:152,331,113, plus strand): 5'-GTCATAGACACTCTGCAATTCCTGAAGCTTCCCCAGCACTTCACTCTTTTCCTGCTCTGT[G>A]ACTTCCTTCATTAGTTCGCGACCCTGGGCCCAAAGTCCAGTGACTTCATTTTGGTAAGTC-3'
Protein context (NP_892006.3, residues 4514-4534): WAQGRELMKE[Val4524=]TEQEKSEVLG

ClinVar aggregate classification (germline): Conflicting classifications of pathogenicity. Review status: criteria provided, conflicting classifications (1 of 4 stars). 8 submissions from 7 submitters: Uncertain significance (2); Benign (3); Likely benign (3). Last evaluated 2026-01-19.

Conditions:
Autosomal recessive ataxia, Beauce type. Also called: SYNE1-Related Autosomal Recessive Cerebellar Ataxia; ATAXIA, RECESSIVE, OF BEAUCE; SYNE1 Deficiency; Spinocerebellar ataxia, autosomal recessive 8. Identifiers: Orphanet 88644, MedGen C1853116, MONDO:0012549, OMIM 610743.
Emery-Dreifuss muscular dystrophy 4, autosomal dominant (EDMD4). Also called: EMERY-DREIFUSS MUSCULAR DYSTROPHY 4 WITH VARIABLE FEATURES. Identifiers: Orphanet 261, MedGen C2751807, MONDO:0013071, OMIM 612998.

Allele frequency attached by ClinVar (database versions not stated): 1000 Genomes Project 30x 0.00016; 1000 Genomes Project 0.00020; gnomAD 0.00039 and 0.00040; gnomAD exomes 0.00042 and 0.00058; TOPMed 0.00052; ExAC 0.00064; ESP Exome Variant Server 0.00077.
gnomAD v4.1: 722 of 1,614,060 alleles (0.045%); highest among the groups gnomAD compares: Middle Eastern, 1%; 3 homozygotes.

Submissions (8):

Labcorp Genetics (formerly Invitae), Labcorp
Classification: Likely benign for Emery-Dreifuss muscular dystrophy 4, autosomal dominant; Autosomal recessive ataxia, Beauce type. Last evaluated: 2026-01-19. Review status: criteria provided, single submitter. Criteria: Invitae Variant Classification Sherloc (09022015). Collection method: clinical testing. Allele origin: germline.

Blueprint Genetics
Classification: Likely benign. Last evaluated: 2024-11-25. Review status: criteria provided, single submitter. Criteria: ACMG Guidelines, 2015. Collection method: clinical testing. Allele origin: germline.

CeGaT Center for Human Genetics Tuebingen
Classification: Benign. Last evaluated: 2024-09-01. Review status: criteria provided, single submitter. Criteria: CeGaT Center For Human Genetics Tuebingen Variant Classification Criteria Version 2. Collection method: clinical testing. Allele origin: germline. Affected: yes. Observed: 2 variant alleles.
Comment: SYNE1: BP4, BS1, BS2

GeneDx
Classification: Likely benign. Last evaluated: 2020-05-27. Review status: criteria provided, single submitter. Criteria: GeneDx Variant Classification Process June 2021. Collection method: clinical testing. Allele origin: germline. Affected: yes.

Athena Diagnostics
Classification: Benign. Last evaluated: 2019-03-22. Review status: criteria provided, single submitter. Criteria: Athena Diagnostics Criteria. Collection method: clinical testing. Allele origin: germline.

Eurofins Ntd Llc (ga)
Classification: Uncertain significance. Last evaluated: 2018-06-08. Review status: criteria provided, single submitter. Criteria: EGL ClinVar v180209 classification definitions. Collection method: clinical testing. Allele origin: germline. Observed: 11 variant alleles, 11 heterozygotes.

Illumina Laboratory Services, Illumina
Classification: Uncertain significance for Autosomal recessive ataxia, Beauce type. Last evaluated: 2018-01-13. Review status: criteria provided, single submitter. Criteria: ICSL Variant Classification Criteria 13 December 2019. Collection method: clinical testing. Allele origin: germline.

Illumina Laboratory Services, Illumina
Classification: Benign for Emery-Dreifuss muscular dystrophy 4, autosomal dominant. Last evaluated: 2018-01-13. Review status: criteria provided, single submitter. Criteria: ICSL Variant Classification Criteria 13 December 2019. Collection method: clinical testing. Allele origin: germline.
Comment: This variant was observed in the ICSL laboratory as part of a predisposition screen in an ostensibly healthy population. It had not been previously curated by ICSL or reported in the Human Gene Mutation Database (HGMD: prior to June 1st, 2018), and was therefore a candidate for classification through an automated scoring system. Utilizing variant allele frequency, disease prevalence and penetrance estimates, and inheritance mode, an automated score was calculated to assess if this variant is too frequent to cause the disease. Based on the score and internal cut-off values, a variant classified as benign is not then subjected to further curation. The score for this variant resulted in a classification of benign for this disease.